The following is an entry in ClinVar:

ClinVar aggregate classification (germline): Benign. Review status: criteria provided, multiple submitters, no conflicts (2 of 4 stars). 2 submissions from 2 submitters: Benign (2). Last evaluated 2018-06-20.

Allele frequency attached by ClinVar (database versions not stated): 1000 Genomes Project 30x 0.05215; 1000 Genomes Project 0.05571; ExAC 0.09970; TOPMed 0.09974; gnomAD 0.10547 and 0.10682; ESP Exome Variant Server 0.10779; gnomAD exomes 0.11344 and 0.13629.
gnomAD v4.1: 204,286 of 1,534,870 alleles (13%); highest among the groups gnomAD compares: Middle Eastern, 17%; 15,181 homozygotes.

Submissions (2):

GeneDx
Classification: Benign. Last evaluated: 2018-06-20. Review status: criteria provided, single submitter. Criteria: GeneDx Variant Classification (06012015). Collection method: clinical testing. Allele origin: germline. Affected: yes.
Comment: This variant is considered likely benign or benign based on one or more of the following criteria: it is a conservative change, it occurs at a poorly conserved position in the protein, it is predicted to be benign by multiple in silico algorithms, and/or has population frequency not consistent with disease.

Breakthrough Genomics
Classification: Benign. Review status: criteria provided, single submitter. Criteria: ACMG Guidelines, 2015. Collection method: not provided. Allele origin: germline. Inheritance: Autosomal dominant inheritance. Affected: yes.

NM_000268.4(NF2):c.1123-51C>T

Gene: NF2 (NF2, moesin-ezrin-radixin like (MERLIN) tumor suppressor; plus strand). Cytogenetic location: 22q12.2.
Variant type: single nucleotide variant.
Coding change: c.1123-51C>T on transcript NM_000268.4 (MANE Select); 51 bases into the intron before coding-DNA position 1123, C replaced by T.
Molecular consequence: intron variant.
Genome position (GRCh38, 1-based): chr22:29,673,218, C>T. VCF-style: chr22-29673218-C-T. GRCh37 (hg19) VCF-style: chr22-30069207-C-T.
Other names: c.1123-51C>T (NM_016418.5, NM_181832.3, NM_181825.3); c.448-21534C>T (NM_181833.3); c.1000-51C>T (NM_181829.3); c.997-51C>T (NM_181828.3); c.874-51C>T (NM_181830.3, NM_181831.3).
Identifiers: ClinVar variation 676990 (VCV000676990.2), dbSNP rs13055076, ClinGen allele CA036998.